The following is an entry in ClinVar:

ClinVar aggregate classification (germline): Uncertain significance (1 of 4 stars; one submission).

Submission:

Labcorp Genetics (formerly Invitae), Labcorp
Classification: Uncertain significance. Last evaluated: 2025-09-22. Review status: criteria provided, single submitter. Criteria: Invitae Variant Classification Sherloc (09022015). Collection method: clinical testing. Allele origin: germline.
Comment: This sequence change falls in intron 18 of the DNA2 gene. It does not directly change the encoded amino acid sequence of the DNA2 protein. It affects a nucleotide within the consensus splice site. This variant is not present in population databases (gnomAD no frequency). This variant has not been reported in the literature in individuals affected with DNA2-related conditions. Variants that disrupt the consensus splice site are a relatively common cause of aberrant splicing (PMID: 17576681, 9536098). Algorithms developed to predict the effect of sequence changes on RNA splicing suggest that this variant may disrupt the consensus splice site. In summary, the available evidence is currently insufficient to determine the role of this variant in disease. Therefore, it has been classified as a Variant of Uncertain Significance.

Literature cited by the submitters: PubMed 17576681; PubMed 9536098.

NM_001080449.3(DNA2):c.2787+4A>C

Gene: DNA2 (DNA replication helicase/nuclease 2; minus strand). Cytogenetic location: 10q21.3.
Variant type: single nucleotide variant.
Coding change: c.2787+4A>C on transcript NM_001080449.3 (MANE Select); 4 bases into the intron after coding-DNA position 2787, A replaced by C.
Molecular consequence: intron variant.
Genome position (GRCh38, 1-based): chr10:68,419,799, T>G on the plus strand (A>C on the coding strand, the complement: DNA2 is on the minus strand). VCF-style: chr10-68419799-T-G. GRCh37 (hg19) VCF-style: chr10-70179556-T-G.
Identifiers: ClinVar variation 4722653 (VCV004722653.1).